The following is an entry in ClinVar:

NM_003640.5(ELP1):c.766A>G (p.Thr256Ala)

Gene: ELP1 (elongator acetyltransferase complex subunit 1; minus strand). Cytogenetic location: 9q31.3.
Variant type: single nucleotide variant.
Coding change: c.766A>G on transcript NM_003640.5 (MANE Select); coding-DNA position 766, A replaced by G.
Protein change: p.Thr256Ala; replaces threonine 256 with alanine.
Molecular consequence: missense variant. On other transcripts: 5 prime UTR variant (1).
Genome position (GRCh38, 1-based): chr9:108,917,645, T>C on the plus strand (A>G on the coding strand, the complement: ELP1 is on the minus strand). VCF-style: chr9-108917645-T-C. GRCh37 (hg19) VCF-style: chr9-111679925-T-C.
Other names: c.424A>G, p.Thr142Ala (NM_001318360.2); c.-282A>G (NM_001330749.2); short protein forms T142A, T256A.
Identifiers: ClinVar variation 3596302 (VCV003596302.2).

ClinVar aggregate classification (germline): Uncertain significance. Review status: criteria provided, multiple submitters, no conflicts (2 of 4 stars). 2 submissions from 2 submitters: Uncertain significance (2). Last evaluated 2026-04-04.

Conditions:
Medulloblastoma (MDB). Also called: MEDULLOBLASTOMA PREDISPOSITION SYNDROME; Medulloblastoma, somatic. Identifiers: Orphanet 616, MedGen C0025149, MeSH D008527, MONDO:0007959, OMIM 155255, HP:0002885.
Familial dysautonomia. Also called: FD; HSAN III. Identifiers: Orphanet 1764, MedGen C0013364, MONDO:0009131, OMIM 223900. Disease mechanism: loss of function.

gnomAD v4.1: 1 of 1,613,844 alleles (0.000062%); highest among the groups gnomAD compares: African/African-American, 0.0013%; no homozygotes.

Submissions (2):

Ambry Genetics
Classification: Uncertain significance. Last evaluated: 2026-04-04. Review status: criteria provided, single submitter. Criteria: Ambry Variant Classification Scheme 2023. Collection method: clinical testing. Allele origin: germline.
Comment: The p.T256A variant (also known as c.766A>G), located in coding exon 8 of the IKBKAP gene, results from an A to G substitution at nucleotide position 766. The threonine at codon 256 is replaced by alanine, an amino acid with similar properties. This amino acid position is conserved. In addition, this alteration is predicted to be tolerated by in silico analysis. Based on the available evidence, the clinical significance of this variant remains unclear.

Fulgent Genetics
Classification: Uncertain significance for Medulloblastoma; Familial dysautonomia. Last evaluated: 2024-03-28. Review status: criteria provided, single submitter. Criteria: ACMG Guidelines, 2015. Collection method: clinical testing. Allele origin: germline.